The following is an entry in ClinVar:

NM_000235.4(LIPA):c.230-5T>C

Gene: LIPA (lipase A, lysosomal acid type; minus strand). Cytogenetic location: 10q23.31.
Variant type: single nucleotide variant.
Coding change: c.230-5T>C on transcript NM_000235.4 (MANE Select); 5 bases into the intron before coding-DNA position 230, T replaced by C.
Molecular consequence: intron variant.
Genome position (GRCh38, 1-based): chr10:89,228,403, A>G on the plus strand (T>C on the coding strand, the complement: LIPA is on the minus strand). VCF-style: chr10-89228403-A-G. GRCh37 (hg19) VCF-style: chr10-90988160-A-G.
Other names: c.230-5T>C (NM_001440827.1, NM_001440828.1, NM_001440826.1 and 17 more transcripts); c.245-5T>C (NM_001440838.1); c.362-5T>C (NM_001440836.1); c.-119-5T>C (NM_001288979.2); c.62-5T>C (NM_001440839.1).
Identifiers: ClinVar variation 4614515 (VCV004614515.1).

ClinVar aggregate classification (germline): Uncertain significance (1 of 4 stars; one submission).

Conditions:
Cardiovascular phenotype. Identifiers: MedGen CN230736.

Submission:

Ambry Genetics
Classification: Uncertain significance for Cardiovascular phenotype. Last evaluated: 2025-10-21. Review status: criteria provided, single submitter. Criteria: Ambry Variant Classification Scheme 2023. Collection method: clinical testing. Allele origin: germline.
Comment: The c.230-5T>C intronic variant results from a T to C substitution 5 nucleotides upstream from coding exon 3 in the LIPA gene. This nucleotide position is highly conserved in available vertebrate species. In silico splice site analysis predicts that this alteration will not have any significant effect on splicing. Based on the available evidence, the clinical significance of this variant remains unclear.